The following is an entry in ClinVar:

ClinVar aggregate classification (germline): Uncertain significance (1 of 4 stars; one submission).

Conditions:
Multiple endocrine neoplasia, type 2 (MEN2). Identifiers: Orphanet 653, MedGen C4048306, MONDO:0019003. Disease mechanism: gain of function.

Submission:

Labcorp Genetics (formerly Invitae), Labcorp
Classification: Uncertain significance for Multiple endocrine neoplasia, type 2. Last evaluated: 2025-10-01. Review status: criteria provided, single submitter. Criteria: Invitae Variant Classification Sherloc (09022015). Collection method: clinical testing. Allele origin: germline.
Comment: This sequence change replaces leucine, which is neutral and non-polar, with methionine, which is neutral and non-polar, at codon 229 of the RET protein (p.Leu229Met). This variant is not present in population databases (gnomAD no frequency). This variant has not been reported in the literature in individuals affected with RET-related conditions. An algorithm developed to predict the effect of missense changes on protein structure and function (PolyPhen-2) suggests that this variant is likely to be disruptive. In summary, the available evidence is currently insufficient to determine the role of this variant in disease. Therefore, it has been classified as a Variant of Uncertain Significance.

NM_020975.6(RET):c.685C>A (p.Leu229Met)

Gene: RET (ret proto-oncogene; plus strand). Cytogenetic location: 10q11.21.
Variant type: single nucleotide variant.
Coding change: c.685C>A on transcript NM_020975.6 (MANE Select); coding-DNA position 685, C replaced by A.
Protein change: p.Leu229Met; replaces leucine 229 with methionine.
Molecular consequence: missense variant. On other transcripts: 5 prime UTR variant (1), intron variant (22).
Genome position (GRCh38, 1-based): chr10:43,105,011, C>A. VCF-style: chr10-43105011-C-A. GRCh37 (hg19) VCF-style: chr10-43600459-C-A.
Other names: c.-78C>A (NM_001355216.2); c.685C>A, p.Leu229Met (NM_001406743.1, NM_001406744.1, NM_001406759.1 and 6 more transcripts); c.556C>A, p.Leu186Met (NM_001406761.1, NM_001406762.1, NM_001406764.1 and 2 more transcripts); c.397C>A, p.Leu133Met (NM_001406766.1, NM_001406767.1, NM_001406770.1); c.625+2382C>A (NM_001406773.1, NM_001406771.1, NM_001406782.1 and 5 more transcripts); c.496+2382C>A (NM_001406786.1, NM_001406783.1); c.338-4020C>A (NM_001406778.1, NM_001406775.1, NM_001406776.1 and 1 more transcripts); c.337+4289C>A (NM_001406790.1, NM_001406788.1, NM_001406789.1 and 1 more transcripts); and 2 more; short protein forms L133M, L186M, L229M.
Identifiers: ClinVar variation 4728216 (VCV004728216.1).